The following is an entry in ClinVar:

NM_001135553.4(MKNK1):c.705C>T (p.Gly235=)

Genes: MKNK1 (MAPK interacting serine/threonine kinase 1; minus strand), MKNK1-AS1 (MKNK1 antisense RNA 1; plus strand). Cytogenetic location: 1p33.
Variant type: single nucleotide variant.
Coding change: c.705C>T on transcript NM_001135553.4 (MANE Select); coding-DNA position 705, C replaced by T.
Protein change: p.Gly235=; no amino-acid change (glycine 235 retained).
Molecular consequence: synonymous variant. On other transcripts: non-coding transcript variant (4).
Genome position (GRCh38, 1-based): chr1:46,562,748, G>A on the plus strand (C>T on the coding strand, the complement: MKNK1 is on the minus strand). VCF-style: chr1-46562748-G-A. GRCh37 (hg19) VCF-style: chr1-47028420-G-A.
Other names: c.723C>T, p.Gly241= (NM_001377337.1, NM_001377338.1, NM_001377341.1 and 1 more transcripts); c.576C>T, p.Gly192= (NM_001377343.1); c.705C>T, p.Gly235= (NM_001377373.1, NM_001377374.1, NM_001377375.1 and 1 more transcripts); c.828C>T, p.Gly276= (NM_003684.7).
Identifiers: ClinVar variation 2638801 (VCV002638801.24), dbSNP rs750902265, ClinGen allele CA837193.
Genomic context (GRCh38, chr1:46,562,748, plus strand): 5'-GTCGGCCCCGCAGTGACCCACGAAGGGTGGGTAGCCACTCAGCATGATGTAGAGGACCAC[G>A]CCCAGGCTCCACAGGTCACAGCGCTTGTCGTAGAATGTGGCCTGGTCCGTGAAGACCTCC-3'
Protein context (NP_001129025.2, residues 225-245): YDKRCDLWSL[Gly235=]VVLYIMLSGY

ClinVar aggregate classification (germline): Likely benign (1 of 4 stars; one submission).

Allele frequency attached by ClinVar (database versions not stated): gnomAD 0.00004; TOPMed 0.00004; gnomAD exomes 0.00008; ExAC 0.00012.
gnomAD v4.1: 120 of 1,607,320 alleles (0.0075%); highest among the groups gnomAD compares: Non-Finnish European, 0.0091%; no homozygotes.

Submission:

CeGaT Center for Human Genetics Tuebingen
Classification: Likely benign. Last evaluated: 2022-11-01. Review status: criteria provided, single submitter. Criteria: CeGaT Center For Human Genetics Tuebingen Variant Classification Criteria Version 2. Collection method: clinical testing. Allele origin: germline. Affected: yes. Observed: 1 variant allele.
Comment: MKNK1: BP4, BP7